The following continues an entry in ClinVar:

NM_002693.3(POLG):c.2207A>G (p.Asn736Ser)

Gene: POLG. ClinVar aggregate classification (germline): Conflicting classifications of pathogenicity. Uncertain significance (9); Benign (1); Likely benign (2).

Submissions 12 to 17 of 17:

Genetic Services Laboratory, University of Chicago
Classification: Uncertain significance. Last evaluated: 2014-04-21. Review status: criteria provided, single submitter. Criteria: ACMG Guidelines, 2007. Collection method: clinical testing. Allele origin: germline.

PreventionGenetics, part of Exact Sciences
Classification: Likely benign for POLG-related condition. Last evaluated: 2022-04-12. Review status: no assertion criteria provided. Collection method: clinical testing. Allele origin: germline. Not counted in ClinVar's aggregate classification.
Comment: This variant is classified as likely benign based on ACMG/AMP sequence variant interpretation guidelines (Richards et al. 2015 PMID: 25741868, with internal and published modifications).

Centre de Biologie Pathologie Génétique, Centre Hospitalier Universitaire de Lille
Classification: Uncertain significance for Intellectual disability. Last evaluated: 2019-01-01. Review status: no assertion criteria provided. Collection method: clinical testing. Allele origin: unknown. Affected: yes. Not counted in ClinVar's aggregate classification.

Clinical Genetics DNA and cytogenetics Diagnostics Lab, Erasmus MC, Erasmus Medical Center
Classification: Uncertain significance. Review status: no assertion criteria provided. Collection method: clinical testing. Allele origin: germline. Affected: yes. Study: VKGL Data-share Consensus. Not counted in ClinVar's aggregate classification.

Diagnostic Laboratory, Department of Genetics, University Medical Center Groningen
Classification: Uncertain significance. Review status: no assertion criteria provided. Collection method: clinical testing. Allele origin: germline. Affected: yes. Study: VKGL Data-share Consensus. Not counted in ClinVar's aggregate classification.

Practice for Gait Abnormalities, David Pomarino, Competency Network Toe Walking C/o Practice Pomarino
Classification: Likely pathogenic for Tip-toe gait. Review status: no assertion criteria provided. Collection method: clinical testing. Allele origin: germline. Affected: yes. Not counted in ClinVar's aggregate classification.
Comment: Hereditary motor sensory neuropathy (HMSN), also known as Charcot-Marie-Tooth Disease (CMT), is the most commonly inherited peripheral polyneuropathy. It constitutes a group of inherited, progressive, motor and sensory peripheral nerve disorders with properties of demyelination, axonal degeneration, or both. It is classified by clinical characteristics, modes of inheritance, electrophysiologic features, metabolic defects, and specific gene markers. Our patients all walk on tiptoe, so they show similar symptoms. When we genetically test them with our toe walking panel, we find that around 90 per cent of them have a genetic variant that explains their toe walking. These can be assigned, for example, to the area of myopathies (such as variants of the COL6A3 gene), the area of hereditary neuropathies (such as variants of the KMT2C gene) or the area of metabolic diseases (such as variants of the PYGM gene). In a smaller group of patients with almost identical symptoms, no abnormality is found in the genes of our panel, but spastic paraplegia can be detected. In another small group of our toe walkers, no abnormalities can be detected in the genes analysed in our toe walking panel, nor do they suffer from spastic paraplegia, as is also the case with healthy children. In contrast to these, however, they show a tiptoe gait. These patients suffer from infantile cerebral palsy, in which toe walking can also be observed.

Literature cited by the submitters: PubMed 21654874 (cited by 5 submitters); PubMed 23299917 (cited by 3 submitters); PubMed 31996268 (cited by Mayo Clinic Laboratories, Mayo Clinic); PubMed 33486010 (cited by Mayo Clinic Laboratories, Mayo Clinic and Women's Health and Genetics/Laboratory Corporation of America, LabCorp); PubMed 32305867 (cited by Athena Diagnostics); PubMed 21880868 (cited by Athena Diagnostics); PubMed 37091313 (cited by Practice for Gait Abnormalities, David Pomarino, Competency Network Toe Walking C/o Practice Pomarino).